The following is an entry in ClinVar:

ClinVar aggregate classification (germline): Uncertain significance (1 of 4 stars; one submission).

Conditions:
Cardiomyopathy (CMYO). Also called: Cardiomyopathies. Identifiers: Orphanet 167848, MedGen C0878544, MONDO:0004994, HP:0001638. Inheritance: Various modes of inheritance.

Submission:

Color Diagnostics, LLC DBA Color Health
Classification: Uncertain significance for Cardiomyopathy. Last evaluated: 2021-11-01. Review status: criteria provided, single submitter. Criteria: ACMG Guidelines, 2015. Collection method: clinical testing. Allele origin: germline.
Comment: This variant causes a C to G nucleotide substitution at the -15 position of intron 30 of the MYBPC3 gene. Splice prediction tools and conservation analysis are inconclusive regarding the impact of this variant on RNA splicing. To our knowledge, functional studies have not been reported for this variant. This variant has not been reported in individuals affected with cardiovascular disorders in the literature. This variant has not been identified in the general population by the Genome Aggregation Database (gnomAD). The available evidence is insufficient to determine the role of this variant in disease conclusively. Therefore, this variant is classified as a Variant of Uncertain Significance.

NM_000256.3(MYBPC3):c.3331-15C>G

Gene: MYBPC3 (myosin binding protein C3; minus strand). Cytogenetic location: 11p11.2.
Variant type: single nucleotide variant.
Coding change: c.3331-15C>G on transcript NM_000256.3 (MANE Select); 15 bases into the intron before coding-DNA position 3331, C replaced by G.
Molecular consequence: intron variant.
Genome position (GRCh38, 1-based): chr11:47,332,988, G>C on the plus strand (C>G on the coding strand, the complement: MYBPC3 is on the minus strand). VCF-style: chr11-47332988-G-C. GRCh37 (hg19) VCF-style: chr11-47354539-G-C.
Identifiers: ClinVar variation 2773705 (VCV002773705.2), dbSNP rs2495739074, ClinGen allele CA2697548537.